The following is an entry in ClinVar:

ClinVar aggregate classification (germline): Likely benign. Review status: criteria provided, multiple submitters, no conflicts (2 of 4 stars). 3 submissions from 3 submitters: Likely benign (2). 1 of the submissions does not count toward it. Last evaluated 2026-01-13.

Conditions:
TTC7A-related disorder. Also called: TTC7A-related condition.
Multiple gastrointestinal atresias. Also called: FAMILIAL INTESTINAL POLYATRESIA SYNDROME; Multiple intestinal atresia. Identifiers: Orphanet 2300, MedGen C0220744, MONDO:0009465.

Allele frequency attached by ClinVar (database versions not stated): gnomAD 0.00006; TOPMed 0.00006; 1000 Genomes Project 30x 0.00016.
gnomAD v4.1: 65 of 1,614,204 alleles (0.004%); highest among the groups gnomAD compares: Middle Eastern, 0.049%; no homozygotes.

Submissions (3):

Labcorp Genetics (formerly Invitae), Labcorp
Classification: Likely benign for Multiple gastrointestinal atresias. Last evaluated: 2026-01-13. Review status: criteria provided, single submitter. Criteria: Invitae Variant Classification Sherloc (09022015). Collection method: clinical testing. Allele origin: germline.

CeGaT Center for Human Genetics Tuebingen
Classification: Likely benign. Last evaluated: 2025-03-01. Review status: criteria provided, single submitter. Criteria: CeGaT Center For Human Genetics Tuebingen Variant Classification Criteria Version 2. Collection method: clinical testing. Allele origin: germline. Affected: yes. Observed: 1 variant allele.
Comment: TTC7A: BP4, BP7

PreventionGenetics, part of Exact Sciences
Classification: Likely benign for TTC7A-related condition. Last evaluated: 2019-02-21. Review status: no assertion criteria provided. Collection method: clinical testing. Allele origin: germline. Not counted in ClinVar's aggregate classification.
Comment: This variant is classified as likely benign based on ACMG/AMP sequence variant interpretation guidelines (Richards et al. 2015 PMID: 25741868, with internal and published modifications).

NM_020458.4(TTC7A):c.432C>T (p.Tyr144=)

Gene: TTC7A (tetratricopeptide repeat domain 7A; plus strand). Cytogenetic location: 2p21.
Variant type: single nucleotide variant.
Coding change: c.432C>T on transcript NM_020458.4 (MANE Select); coding-DNA position 432, C replaced by T.
Protein change: p.Tyr144=; no amino-acid change (tyrosine 144 retained).
Molecular consequence: synonymous variant. On other transcripts: 5 prime UTR variant (1).
Genome position (GRCh38, 1-based): chr2:46,956,922, C>T. VCF-style: chr2-46956922-C-T. GRCh37 (hg19) VCF-style: chr2-47184061-C-T.
Other names: c.432C>T, p.Tyr144= (NM_001288951.2); c.330C>T, p.Tyr110= (NM_001288953.2); c.-473C>T (NM_001288955.2).
Identifiers: ClinVar variation 756843 (VCV000756843.20), dbSNP rs767549499, ClinGen allele CA1647154.